The following is an entry in ClinVar:

NM_000414.4(HSD17B4):c.1958A>G (p.His653Arg)

Gene: HSD17B4 (hydroxysteroid 17-beta dehydrogenase 4; plus strand). Cytogenetic location: 5q23.1.
Variant type: single nucleotide variant.
Coding change: c.1958A>G on transcript NM_000414.4 (MANE Select); coding-DNA position 1958, A replaced by G.
Protein change: p.His653Arg; replaces histidine 653 with arginine.
Molecular consequence: missense variant. On other transcripts: non-coding transcript variant (2).
Genome position (GRCh38, 1-based): chr5:119,531,369, A>G. VCF-style: chr5-119531369-A-G. GRCh37 (hg19) VCF-style: chr5-118867064-A-G.
Other names: c.2033A>G, p.His678Arg (NM_001199291.3); c.1904A>G, p.His635Arg (NM_001199292.2); c.1886A>G, p.His629Arg (NM_001292027.2, NM_001374498.1); c.1538A>G, p.His513Arg (NM_001292028.2); c.1949A>G, p.His650Arg (NM_001374497.1); c.1631A>G, p.His544Arg (NM_001374499.1); c.1517A>G, p.His506Arg (NM_001374500.1); c.1547A>G, p.His516Arg (NM_001374501.1, NM_001374502.1, NM_001374503.1); and 1 more; short protein forms H544R, H629R, H506R, H513R, H635R, H678R, H516R, H650R.
Identifiers: ClinVar variation 2182528 (VCV002182528.6), dbSNP rs748755382, ClinGen allele CA3382470.

ClinVar aggregate classification (germline): Uncertain significance. Review status: criteria provided, multiple submitters, no conflicts (2 of 4 stars). 4 submissions from 4 submitters: Uncertain significance (4). Last evaluated 2025-09-25.

Conditions:
Inborn genetic diseases. Identifiers: MedGen C0950123, MeSH D030342.
Bifunctional peroxisomal enzyme deficiency (DBIF). Also called: D-bifunctional protein deficiency; PBFE DEFICIENCY; DBP DEFICIENCY. Identifiers: Orphanet 300, MedGen C0342870, MONDO:0009855, OMIM 261515. Disease mechanism: loss of function.
Perrault syndrome. Also called: Gonadal dysgenesis with auditory dysfunction, autosomal recessive inheritance. Identifiers: Orphanet 2855, MedGen C0685838, MONDO:0017312.

Allele frequency attached by ClinVar (database versions not stated): ExAC 0.00001; TOPMed 0.00003; gnomAD 0.00007.
gnomAD v4.1: 16 of 1,613,512 alleles (0.00099%); highest among the groups gnomAD compares: African/African-American, 0.019%; no homozygotes.

Submissions (4):

Ambry Genetics
Classification: Uncertain significance for Inborn genetic diseases. Last evaluated: 2025-09-25. Review status: criteria provided, single submitter. Criteria: Ambry Variant Classification Scheme 2023. Collection method: clinical testing. Allele origin: germline.

GeneDx
Classification: Uncertain significance. Last evaluated: 2023-03-17. Review status: criteria provided, single submitter. Criteria: GeneDx Variant Classification Process June 2021. Collection method: clinical testing. Allele origin: germline. Affected: yes.
Comment: Not observed at significant frequency in large population cohorts (gnomAD); In silico analysis supports that this missense variant does not alter protein structure/function; Has not been previously published as pathogenic or benign to our knowledge

Blueprint Genetics
Classification: Uncertain significance. Last evaluated: 2023-03-06. Review status: criteria provided, single submitter. Criteria: ACMG Guidelines, 2015. Collection method: clinical testing. Allele origin: germline.

Labcorp Genetics (formerly Invitae), Labcorp
Classification: Uncertain significance for Perrault syndrome; Bifunctional peroxisomal enzyme deficiency. Last evaluated: 2022-09-13. Review status: criteria provided, single submitter. Criteria: Invitae Variant Classification Sherloc (09022015). Collection method: clinical testing. Allele origin: germline.
Comment: This sequence change replaces histidine, which is basic and polar, with arginine, which is basic and polar, at codon 653 of the HSD17B4 protein (p.His653Arg). This variant is present in population databases (rs748755382, gnomAD 0.01%). This variant has not been reported in the literature in individuals affected with HSD17B4-related conditions. Advanced modeling of protein sequence and biophysical properties (such as structural, functional, and spatial information, amino acid conservation, physicochemical variation, residue mobility, and thermodynamic stability) performed at Invitae indicates that this missense variant is not expected to disrupt HSD17B4 protein function. In summary, the available evidence is currently insufficient to determine the role of this variant in disease. Therefore, it has been classified as a Variant of Uncertain Significance.